The following is an entry in ClinVar:

NM_017617.5(NOTCH1):c.2015-2del

Gene: NOTCH1 (notch receptor 1; minus strand). Cytogenetic location: 9q34.3.
Variant type: Deletion.
Coding change: c.2015-2del on transcript NM_017617.5 (MANE Select); the canonical splice acceptor site of the intron before coding-DNA position 2015, one base deleted (A; older notation c.2015-2delA).
Molecular consequence: splice acceptor variant.
Genome position (GRCh38, 1-based): chr9:136,514,704, T deleted on the plus strand (A on the coding strand, the reverse complement: NOTCH1 is on the minus strand). VCF-style (leftmost placement, unchanged base first): chr9-136514703-CT-C. GRCh37 (hg19) VCF-style: chr9-139409155-CT-C.
Identifiers: ClinVar variation 1471980 (VCV001471980.6), dbSNP rs2133361331, ClinGen allele CA2573144386.
Genomic context (GRCh38, chr9:136,514,703, plus strand): 5'-TGCCCCCGTTGTGGCAGGGGTTGCCCGCACACTCATCGATGTTGATGTTACACATGCTCC[CT>C]AAGGGCAGGGCGGGTCAGACTCCGAGGCCCAGCGCCCAGGGGGTCCCACCCACGTCAACC-3'

ClinVar aggregate classification (germline): Likely pathogenic (1 of 4 stars; one submission).

Conditions:
Adams-Oliver syndrome 5 (AOS5). Identifiers: Orphanet 974, MedGen C4014970, MONDO:0014459, OMIM 616028.

Submission:

Labcorp Genetics (formerly Invitae), Labcorp
Classification: Likely pathogenic for Adams-Oliver syndrome 5. Last evaluated: 2021-07-07. Review status: criteria provided, single submitter. Criteria: Invitae Variant Classification Sherloc (09022015). Collection method: clinical testing. Allele origin: germline.
Comment: This sequence change affects a splice site in intron 12 of the NOTCH1 gene. It is expected to disrupt RNA splicing. Variants that disrupt the donor or acceptor splice site typically lead to a loss of protein function (PMID: 16199547), and loss-of-function variants in NOTCH1 are known to be pathogenic (PMID: 16025100, 21457232, 25132448, 25963545). This variant is not present in population databases (ExAC no frequency). This variant has not been reported in the literature in individuals affected with NOTCH1-related conditions. Algorithms developed to predict the effect of sequence changes on RNA splicing suggest that this variant may disrupt the consensus splice site. In summary, the currently available evidence indicates that the variant is pathogenic, but additional data are needed to prove that conclusively. Therefore, this variant has been classified as Likely Pathogenic.

Literature cited by the submitters: PubMed 16199547; PubMed 16025100; PubMed 21457232; PubMed 25132448; PubMed 25963545.